The following is an entry in ClinVar:

NM_007294.4(BRCA1):c.5333-491G>A

Gene: BRCA1 (BRCA1 DNA repair associated; minus strand). Cytogenetic location: 17q21.31.
Variant type: single nucleotide variant.
Coding change: c.5333-491G>A on transcript NM_007294.4 (MANE Select); 491 bases into the intron before coding-DNA position 5333, G replaced by A.
Molecular consequence: intron variant.
Genome position (GRCh38, 1-based): chr17:43,049,685, C>T on the plus strand (G>A on the coding strand, the complement: BRCA1 is on the minus strand). VCF-style: chr17-43049685-C-T. GRCh37 (hg19) VCF-style: chr17-41201702-C-T.
Other names: IVS 21-491G>A; c.5333-491G>A (NM_001407603.1, NM_001407598.1, NM_001407596.1 and 5 more transcripts); c.1889-491G>A (NM_001408451.1); c.5120-491G>A (NM_001407898.1, NM_001407894.1, NM_001407909.1 and 12 more transcripts); c.5123-491G>A (NM_001407881.1, NM_001407887.1, NM_001407889.1 and 5 more transcripts); c.5066-491G>A (NM_001407932.1, NM_001407928.1, NM_001407931.1 and 4 more transcripts); c.1880-491G>A (NM_001408464.1, NM_001408467.1, NM_001408459.1 and 7 more transcripts); c.5189-491G>A (NM_001407742.1, NM_001407736.1, NM_001407749.1 and 18 more transcripts); and 85 more.
Identifiers: ClinVar variation 209252 (VCV000209252.4), dbSNP rs3092988, ClinGen allele CA276224.

ClinVar aggregate classification (germline): Benign. Review status: reviewed by expert panel (3 of 4 stars). 2 submissions from 2 submitters: Benign (1). 1 of the submissions does not count toward it. Last evaluated 2015-01-12.

Conditions:
Breast-ovarian cancer, familial, susceptibility to, 1 (BROVCA1). Also called: BRCA1 Hereditary Breast and Ovarian Cancer; OVARIAN CANCER, SUSCEPTIBILITY TO. Identifiers: Orphanet 145, MedGen C2676676, MONDO:0011450, OMIM 604370. Disease mechanism: loss of function.
Hereditary cancer-predisposing syndrome. Also called: Tumor predisposition; Hereditary Cancer Syndrome; Neoplastic Syndromes, Hereditary; Hereditary neoplastic syndrome. Identifiers: Orphanet 140162, MedGen C0027672, MeSH D009386, MONDO:0015356.

Allele frequency attached by ClinVar (database versions not stated): TOPMed 0.27271; gnomAD 0.28568 and 0.29407; 1000 Genomes Project 30x 0.31730; 1000 Genomes Project 0.32508.
gnomAD v4.1: 44,742 of 151,992 alleles (29%); highest among the groups gnomAD compares: South Asian, 49%; 7,184 homozygotes.

Submissions (2):

Evidence-based Network for the Interpretation of Germline Mutant Alleles (ENIGMA)
Classification: Benign for Breast-ovarian cancer, familial 1. Last evaluated: 2015-01-12. Review status: reviewed by expert panel. Criteria: ENIGMA BRCA1/2 Classification Criteria (2015). Collection method: curation. Allele origin: germline.
Comment: Class 1 not pathogenic based on frequency >1% in an outbred sampleset. Frequency 0.3304 (Asian), 0.1301 (African), 0.3575 (European), derived from 1000 genomes (2012-04-30).

Color Diagnostics, LLC DBA Color Health
Classification: Benign for Hereditary cancer-predisposing syndrome. Last evaluated: 2015-03-31. Review status: criteria provided, single submitter. Criteria: ACMG Guidelines, 2015. Collection method: clinical testing. Allele origin: germline. Not counted in ClinVar's aggregate classification.